The following is an entry in ClinVar:

ClinVar aggregate classification (germline): Uncertain significance (1 of 4 stars; one submission).

Conditions:
Inclusion body myopathy with Paget disease of bone and frontotemporal dementia. Also called: Inclusion body myopathy with early-onset Paget disease and frontotemporal dementia. Identifiers: Orphanet 52430, MedGen C1833662, MONDO:0000507.
Frontotemporal dementia and/or amyotrophic lateral sclerosis 6 (FTDALS6). Also called: VCP-Related Amyotrophic Lateral Sclerosis/Frontotemporal Dementia; VCP-Related Amyotrophic Lateral Sclerosis. Identifiers: Orphanet 275872, Orphanet 803, MedGen C5436279, MONDO:0013501, OMIM 613954.

Submission:

Labcorp Genetics (formerly Invitae), Labcorp
Classification: Uncertain significance for Inclusion body myopathy with Paget disease of bone and frontotemporal dementia; Frontotemporal dementia and/or amyotrophic lateral sclerosis 6. Last evaluated: 2025-09-08. Review status: criteria provided, single submitter. Criteria: Invitae Variant Classification Sherloc (09022015). Collection method: clinical testing. Allele origin: germline.
Comment: This sequence change replaces isoleucine, which is neutral and non-polar, with valine, which is neutral and non-polar, at codon 437 of the VCP protein (p.Ile437Val). This variant is present in population databases (no rsID available, gnomAD no frequency). This variant has not been reported in the literature in individuals affected with VCP-related conditions. ClinVar contains an entry for this variant (Variation ID: 2942975). Invitae Evidence Modeling of protein sequence and biophysical properties (such as structural, functional, and spatial information, amino acid conservation, physicochemical variation, residue mobility, and thermodynamic stability) indicates that this missense variant is not expected to disrupt VCP protein function with a negative predictive value of 95%. In summary, the available evidence is currently insufficient to determine the role of this variant in disease. Therefore, it has been classified as a Variant of Uncertain Significance.

NM_007126.5(VCP):c.1309A>G (p.Ile437Val)

Gene: VCP (valosin containing protein; minus strand). Cytogenetic location: 9p13.3.
Variant type: single nucleotide variant.
Coding change: c.1309A>G on transcript NM_007126.5 (MANE Select); coding-DNA position 1309, A replaced by G.
Protein change: p.Ile437Val; replaces isoleucine 437 with valine.
Molecular consequence: missense variant.
Genome position (GRCh38, 1-based): chr9:35,061,065, T>C on the plus strand (A>G on the coding strand, the complement: VCP is on the minus strand). VCF-style: chr9-35061065-T-C. GRCh37 (hg19) VCF-style: chr9-35061062-T-C.
Other names: c.1174A>G, p.Ile392Val (NM_001354927.2, NM_001354928.2); short protein forms I392V, I437V.
Identifiers: ClinVar variation 2942975 (VCV002942975.3), dbSNP rs1392284756, ClinGen allele CA373282099.